The following is an entry in ClinVar:

NM_013247.5(HTRA2):c.254C>T (p.Ala85Val)

Gene: HTRA2 (HtrA serine peptidase 2; plus strand). Cytogenetic location: 2p13.1.
Variant type: single nucleotide variant.
Coding change: c.254C>T on transcript NM_013247.5 (MANE Select); coding-DNA position 254, C replaced by T.
Protein change: p.Ala85Val; replaces alanine 85 with valine.
Molecular consequence: missense variant. On other transcripts: non-coding transcript variant (1).
Genome position (GRCh38, 1-based): chr2:74,530,260, C>T. VCF-style: chr2-74530260-C-T. GRCh37 (hg19) VCF-style: chr2-74757387-C-T.
Other names: c.254C>T, p.Ala85Val (NM_001321727.1, NM_001321728.1, NM_145074.2); short protein forms A85V.
Identifiers: ClinVar variation 1063527 (VCV001063527.9), dbSNP rs2104366320, ClinGen allele CA347377206.

ClinVar aggregate classification (germline): Uncertain significance (1 of 4 stars; one submission).

Allele frequency attached by ClinVar (database versions not stated): gnomAD exomes below 0.00001.
gnomAD v4.1: 4 of 1,608,286 alleles (0.00025%); highest among the groups gnomAD compares: Non-Finnish European, 0.00034%; no homozygotes.

Submission:

Labcorp Genetics (formerly Invitae), Labcorp
Classification: Uncertain significance. Last evaluated: 2020-10-19. Review status: criteria provided, single submitter. Criteria: Invitae Variant Classification Sherloc (09022015). Collection method: clinical testing. Allele origin: germline.
Comment: In summary, the available evidence is currently insufficient to determine the role of this variant in disease. Therefore, it has been classified as a Variant of Uncertain Significance. Algorithms developed to predict the effect of missense changes on protein structure and function output the following: SIFT: "Tolerated"; PolyPhen-2: "Benign"; Align-GVGD: "Class C0". The valine amino acid residue is found in multiple mammalian species, suggesting that this missense change does not adversely affect protein function. These predictions have not been confirmed by published functional studies and their clinical significance is uncertain. This variant has not been reported in the literature in individuals with HTRA2-related conditions. This variant is not present in population databases (ExAC no frequency). This sequence change replaces alanine with valine at codon 85 of the HTRA2 protein (p.Ala85Val). The alanine residue is weakly conserved and there is a small physicochemical difference between alanine and valine.